The following is an entry in ClinVar:

NM_006361.6(HOXB13):c.254G>A (p.Gly85Asp)

Gene: HOXB13 (homeobox B13; minus strand). Cytogenetic location: 17q21.32.
Variant type: single nucleotide variant.
Coding change: c.254G>A on transcript NM_006361.6 (MANE Select); coding-DNA position 254, G replaced by A.
Protein change: p.Gly85Asp; replaces glycine 85 with aspartic acid.
Molecular consequence: missense variant.
Genome position (GRCh38, 1-based): chr17:48,728,340, C>T on the plus strand (G>A on the coding strand, the complement: HOXB13 is on the minus strand). VCF-style: chr17-48728340-C-T. GRCh37 (hg19) VCF-style: chr17-46805702-C-T.
Other names: c.254G>A (NM_006361.5); short protein forms G85D.
Identifiers: ClinVar variation 1035500 (VCV001035500.10), dbSNP rs778563157, ClinGen allele CA8634032.

ClinVar aggregate classification (germline): Uncertain significance. Review status: criteria provided, multiple submitters, no conflicts (2 of 4 stars). 3 submissions from 3 submitters: Uncertain significance (3). Last evaluated 2025-07-03.

Conditions:
Prostate cancer, hereditary, 9 (HPC9). Identifiers: Orphanet 1331, MedGen C1970250, MONDO:0012597, OMIM 610997.
Hereditary cancer-predisposing syndrome. Also called: Hereditary neoplastic syndrome; Neoplastic Syndromes, Hereditary; Tumor predisposition; Hereditary Cancer Syndrome. Identifiers: Orphanet 140162, MedGen C0027672, MeSH D009386, MONDO:0015356.

Allele frequency attached by ClinVar (database versions not stated): gnomAD exomes below 0.00001; ExAC 0.00001.
gnomAD v4.1: 1 of 1,614,016 alleles (0.000062%); highest among the groups gnomAD compares: Non-Finnish European, 0.000085%; no homozygotes.

Submissions (3):

Ambry Genetics
Classification: Uncertain significance for Hereditary cancer-predisposing syndrome. Last evaluated: 2025-07-03. Review status: criteria provided, single submitter. Criteria: Ambry Variant Classification Scheme 2023. Collection method: clinical testing. Allele origin: germline.
Comment: The p.G85D variant (also known as c.254G>A), located in coding exon 1 of the HOXB13 gene, results from a G to A substitution at nucleotide position 254. The glycine at codon 85 is replaced by aspartic acid, an amino acid with similar properties. This amino acid position is not well conserved in available vertebrate species. In addition, this alteration is predicted to be tolerated by in silico analysis. Based on the available evidence, the clinical significance of this variant remains unclear.

Labcorp Genetics (formerly Invitae), Labcorp
Classification: Uncertain significance. Last evaluated: 2024-09-12. Review status: criteria provided, single submitter. Criteria: Invitae Variant Classification Sherloc (09022015). Collection method: clinical testing. Allele origin: germline.
Comment: This sequence change replaces glycine, which is neutral and non-polar, with aspartic acid, which is acidic and polar, at codon 85 of the HOXB13 protein (p.Gly85Asp). This variant is present in population databases (rs778563157, gnomAD 0.0009%). This variant has not been reported in the literature in individuals affected with HOXB13-related conditions. ClinVar contains an entry for this variant (Variation ID: 1035500). Invitae Evidence Modeling of protein sequence and biophysical properties (such as structural, functional, and spatial information, amino acid conservation, physicochemical variation, residue mobility, and thermodynamic stability) indicates that this missense variant is not expected to disrupt HOXB13 protein function with a negative predictive value of 80%. In summary, the available evidence is currently insufficient to determine the role of this variant in disease. Therefore, it has been classified as a Variant of Uncertain Significance.

Department of Pathology and Laboratory Medicine, Sinai Health System
Classification: Uncertain significance for Prostate cancer, hereditary, 9. Last evaluated: 2024-02-05. Review status: criteria provided, single submitter. Criteria: ACMG Guidelines, 2015. Collection method: clinical testing. Allele origin: germline. Affected: no.